The following is an entry in ClinVar:

NM_003640.5(ELP1):c.2761C>T (p.Leu921Phe)

Gene: ELP1 (elongator acetyltransferase complex subunit 1; minus strand). Cytogenetic location: 9q31.3.
Variant type: single nucleotide variant.
Coding change: c.2761C>T on transcript NM_003640.5 (MANE Select); coding-DNA position 2761, C replaced by T.
Protein change: p.Leu921Phe; replaces leucine 921 with phenylalanine.
Molecular consequence: missense variant.
Genome position (GRCh38, 1-based): chr9:108,894,042, G>A on the plus strand (C>T on the coding strand, the complement: ELP1 is on the minus strand). VCF-style: chr9-108894042-G-A. GRCh37 (hg19) VCF-style: chr9-111656322-G-A.
Other names: c.2419C>T, p.Leu807Phe (NM_001318360.2); c.1714C>T, p.Leu572Phe (NM_001330749.2); short protein forms L572F, L807F, L921F.
Identifiers: ClinVar variation 1382390 (VCV001382390.4), dbSNP rs540615950, ClinGen allele CA197531491.

ClinVar aggregate classification (germline): Uncertain significance (1 of 4 stars; one submission).

gnomAD v4.1: 1 of 1,523,542 alleles (0.000066%); highest among the groups gnomAD compares: Non-Finnish European, 0.000091%; no homozygotes.

Submission:

Labcorp Genetics (formerly Invitae), Labcorp
Classification: Uncertain significance. Last evaluated: 2023-05-22. Review status: criteria provided, single submitter. Criteria: Invitae Variant Classification Sherloc (09022015). Collection method: clinical testing. Allele origin: germline.
Comment: In summary, the available evidence is currently insufficient to determine the role of this variant in disease. Therefore, it has been classified as a Variant of Uncertain Significance. Advanced modeling of protein sequence and biophysical properties (such as structural, functional, and spatial information, amino acid conservation, physicochemical variation, residue mobility, and thermodynamic stability) performed at Invitae indicates that this missense variant is expected to disrupt ELP1 protein function. ClinVar contains an entry for this variant (Variation ID: 1382390). This variant has not been reported in the literature in individuals affected with ELP1-related conditions. This variant is not present in population databases (gnomAD no frequency). This sequence change replaces leucine, which is neutral and non-polar, with phenylalanine, which is neutral and non-polar, at codon 921 of the ELP1 protein (p.Leu921Phe).